The following is an entry in ClinVar:

NM_000455.5(STK11):c.5A>G (p.Glu2Gly)

Gene: STK11 (serine/threonine kinase 11; plus strand). Cytogenetic location: 19p13.3.
Variant type: single nucleotide variant.
Coding change: c.5A>G on transcript NM_000455.5 (MANE Select); coding-DNA position 5, A replaced by G.
Protein change: p.Glu2Gly; replaces glutamic acid 2 with glycine.
Molecular consequence: missense variant. On other transcripts: non-coding transcript variant (1).
Genome position (GRCh38, 1-based): chr19:1,206,918, A>G. VCF-style: chr19-1206918-A-G. GRCh37 (hg19) VCF-style: chr19-1206917-A-G.
Other names: c.5A>G, p.Glu2Gly (NM_001407255.1); short protein forms E2G.
Identifiers: ClinVar variation 2759809 (VCV002759809.3), dbSNP rs1159551738, ClinGen allele CA402942917.

ClinVar aggregate classification (germline): Uncertain significance (1 of 4 stars; one submission).

Conditions:
Peutz-Jeghers syndrome (PJS). Also called: POLYPOSIS, HAMARTOMATOUS INTESTINAL; POLYPS-AND-SPOTS SYNDROME; Peutz-Jeghers polyposis; Periorificial lentiginosis syndrome. Identifiers: Orphanet 2869, MedGen C0031269, MeSH D010580, MONDO:0008280, OMIM 175200.

Submission:

Labcorp Genetics (formerly Invitae), Labcorp
Classification: Uncertain significance for Peutz-Jeghers syndrome. Last evaluated: 2023-09-11. Review status: criteria provided, single submitter. Criteria: Invitae Variant Classification Sherloc (09022015). Collection method: clinical testing. Allele origin: germline.
Comment: This sequence change replaces glutamic acid, which is acidic and polar, with glycine, which is neutral and non-polar, at codon 2 of the STK11 protein (p.Glu2Gly). In summary, the available evidence is currently insufficient to determine the role of this variant in disease. Therefore, it has been classified as a Variant of Uncertain Significance. Advanced modeling of protein sequence and biophysical properties (such as structural, functional, and spatial information, amino acid conservation, physicochemical variation, residue mobility, and thermodynamic stability) has been performed at Invitae for this missense variant, however the output from this modeling did not meet the statistical confidence thresholds required to predict the impact of this variant on STK11 protein function. This variant has not been reported in the literature in individuals affected with STK11-related conditions. This variant is not present in population databases (gnomAD no frequency).